The following is an entry in ClinVar:

ClinVar aggregate classification (germline): Uncertain significance (1 of 4 stars; one submission).

Conditions:
Familial cold autoinflammatory syndrome 2 (FCAS2). Identifiers: Orphanet 247868, MedGen C2673198, MONDO:0012724, OMIM 611762.

Submission:

Labcorp Genetics (formerly Invitae), Labcorp
Classification: Uncertain significance for Familial cold autoinflammatory syndrome 2. Last evaluated: 2024-03-26. Review status: criteria provided, single submitter. Criteria: Invitae Variant Classification Sherloc (09022015). Collection method: clinical testing. Allele origin: germline.
Comment: This sequence change replaces arginine, which is basic and polar, with lysine, which is basic and polar, at codon 88 of the NLRP12 protein (p.Arg88Lys). This variant is present in population databases (no rsID available, gnomAD 0.006%). This variant has not been reported in the literature in individuals affected with NLRP12-related conditions. Algorithms developed to predict the effect of missense changes on protein structure and function output the following: SIFT: "Not Available"; PolyPhen-2: "Benign"; Align-GVGD: "Not Available". The lysine amino acid residue is found in multiple mammalian species, which suggests that this missense change does not adversely affect protein function. In summary, the available evidence is currently insufficient to determine the role of this variant in disease. Therefore, it has been classified as a Variant of Uncertain Significance.

NM_144687.4(NLRP12):c.263G>A (p.Arg88Lys)

Gene: NLRP12 (NLR family pyrin domain containing 12; minus strand). Cytogenetic location: 19q13.42.
Variant type: single nucleotide variant.
Coding change: c.263G>A on transcript NM_144687.4 (MANE Select); coding-DNA position 263, G replaced by A.
Protein change: p.Arg88Lys; replaces arginine 88 with lysine.
Molecular consequence: missense variant.
Genome position (GRCh38, 1-based): chr19:53,823,912, C>T on the plus strand (G>A on the coding strand, the complement: NLRP12 is on the minus strand). VCF-style: chr19-53823912-C-T. GRCh37 (hg19) VCF-style: chr19-54327166-C-T.
Other names: c.263G>A, p.Arg88Lys (NM_001277126.2, NM_001277129.1); short protein forms R88K.
Identifiers: ClinVar variation 3613185 (VCV003613185.2).